The following is an entry in ClinVar:

ClinVar aggregate classification (germline): Uncertain significance. Review status: criteria provided, multiple submitters, no conflicts (2 of 4 stars). 2 submissions from 2 submitters: Uncertain significance (2). Last evaluated 2024-10-31.

Conditions:
Autosomal recessive hypophosphatemic bone disease (HHRH). Also called: HYPERCALCIURIC RICKETS; Hypophosphatemic rickets with hypercalciuria. Identifiers: Orphanet 157215, MedGen C1853271, MONDO:0009431, OMIM 241530.

gnomAD v4.1: 2 of 1,612,492 alleles (0.00012%); highest among the groups gnomAD compares: Non-Finnish European, 0.00017%; no homozygotes.

Submissions (2):

Labcorp Genetics (formerly Invitae), Labcorp
Classification: Uncertain significance. Last evaluated: 2024-10-31. Review status: criteria provided, single submitter. Criteria: Invitae Variant Classification Sherloc (09022015). Collection method: clinical testing. Allele origin: germline.
Comment: This sequence change replaces alanine, which is neutral and non-polar, with serine, which is neutral and polar, at codon 482 of the SLC34A3 protein (p.Ala482Ser). This variant is not present in population databases (gnomAD no frequency). This variant has not been reported in the literature in individuals affected with SLC34A3-related conditions. Invitae Evidence Modeling of protein sequence and biophysical properties (such as structural, functional, and spatial information, amino acid conservation, physicochemical variation, residue mobility, and thermodynamic stability) indicates that this missense variant is not expected to disrupt SLC34A3 protein function with a negative predictive value of 80%. In summary, the available evidence is currently insufficient to determine the role of this variant in disease. Therefore, it has been classified as a Variant of Uncertain Significance.

Fulgent Genetics
Classification: Uncertain significance for Autosomal recessive hypophosphatemic bone disease. Last evaluated: 2024-05-18. Review status: criteria provided, single submitter. Criteria: ACMG Guidelines, 2015. Collection method: clinical testing. Allele origin: germline.

NM_001177316.2(SLC34A3):c.1444G>T (p.Ala482Ser)

Gene: SLC34A3 (solute carrier family 34 member 3; plus strand). Cytogenetic location: 9q34.3.
Variant type: single nucleotide variant.
Coding change: c.1444G>T on transcript NM_001177316.2 (MANE Select); coding-DNA position 1444, G replaced by T.
Protein change: p.Ala482Ser; replaces alanine 482 with serine.
Molecular consequence: missense variant.
Genome position (GRCh38, 1-based): chr9:137,236,060, G>T. VCF-style: chr9-137236060-G-T. GRCh37 (hg19) VCF-style: chr9-140130512-G-T.
Other names: c.1444G>T, p.Ala482Ser (NM_001177317.2, NM_080877.3); c.1444G>T (NM_080877.2); short protein forms A482S.
Identifiers: ClinVar variation 3596927 (VCV003596927.3).